The following is an entry in ClinVar:

NM_001252024.2(TRPM1):c.234T>C (p.Tyr78=)

Gene: TRPM1 (transient receptor potential cation channel subfamily M member 1; minus strand). Cytogenetic location: 15q13.3.
Variant type: single nucleotide variant.
Coding change: c.234T>C on transcript NM_001252024.2 (MANE Select); coding-DNA position 234, T replaced by C.
Protein change: p.Tyr78=; no amino-acid change (tyrosine 78 retained).
Molecular consequence: synonymous variant.
Genome position (GRCh38, 1-based): chr15:31,070,076, A>G on the plus strand (T>C on the coding strand, the complement: TRPM1 is on the minus strand). VCF-style: chr15-31070076-A-G. GRCh37 (hg19) VCF-style: chr15-31362279-A-G.
Other names: c.285T>C, p.Tyr95= (NM_001252020.2); c.168T>C, p.Tyr56= (NM_001252030.2, NM_002420.6).
Identifiers: ClinVar variation 196345 (VCV000196345.23), dbSNP rs74010762, ClinGen allele CA202316.
Genomic context (GRCh38, chr15:31,070,076, plus strand): 5'-GAATGCCTTTCTCACCATGGCTTTATTGGAATATCCGCCACCCTGGAATTCAAGAACTCC[A>G]TAGGAATCTGTTGGGTAGCTCTGGGTGTGCTTGGCAACAGACCATTTCTCAGGCTGAGTC-3'
Protein context (NP_001238953.1, residues 68-88): KHTQSYPTDS[Tyr78=]GVLEFQGGGY

ClinVar aggregate classification (germline): Benign/Likely benign. Review status: criteria provided, multiple submitters, no conflicts (2 of 4 stars). 6 submissions from 6 submitters: Benign (5); Likely benign (1). Last evaluated 2026-02-01.

Conditions:
Congenital stationary night blindness 1C. Also called: Night blindness, congenital stationary (complete), 1C, autosomal recessive. Identifiers: Orphanet 215, MedGen C2750747, MONDO:0013183, OMIM 613216.

Allele frequency attached by ClinVar (database versions not stated): gnomAD exomes 0.00225 and 0.00619; ExAC 0.00754; gnomAD 0.02488 and 0.02659; 1000 Genomes Project 0.02536; ESP Exome Variant Server 0.02721; TOPMed 0.02810; 1000 Genomes Project 30x 0.02858.
gnomAD v4.1: 7,240 of 1,614,156 alleles (0.45%); highest among the groups gnomAD compares: African/African-American, 8.5%; 300 homozygotes.

Submissions (6):

Labcorp Genetics (formerly Invitae), Labcorp
Classification: Benign. Last evaluated: 2026-02-01. Review status: criteria provided, single submitter. Criteria: Invitae Variant Classification Sherloc (09022015). Collection method: clinical testing. Allele origin: germline.

Fulgent Genetics
Classification: Likely benign for Congenital stationary night blindness 1C. Last evaluated: 2022-01-03. Review status: criteria provided, single submitter. Criteria: ACMG Guidelines, 2015. Collection method: clinical testing. Allele origin: unknown.

GeneDx
Classification: Benign. Last evaluated: 2021-05-05. Review status: criteria provided, single submitter. Criteria: GeneDx Variant Classification Process June 2021. Collection method: clinical testing. Allele origin: germline. Affected: yes.

Illumina Laboratory Services, Illumina
Classification: Benign for Congenital stationary night blindness 1C. Last evaluated: 2018-01-12. Review status: criteria provided, single submitter. Criteria: ICSL Variant Classification Criteria 13 December 2019. Collection method: clinical testing. Allele origin: germline.
Comment: This variant was observed in the ICSL laboratory as part of a predisposition screen in an ostensibly healthy population. It had not been previously curated by ICSL or reported in the Human Gene Mutation Database (HGMD: prior to June 1st, 2018), and was therefore a candidate for classification through an automated scoring system. Utilizing variant allele frequency, disease prevalence and penetrance estimates, and inheritance mode, an automated score was calculated to assess if this variant is too frequent to cause the disease. Based on the score and internal cut-off values, a variant classified as benign is not then subjected to further curation. The score for this variant resulted in a classification of benign for this disease.

Eurofins Ntd Llc (ga)
Classification: Benign. Last evaluated: 2014-08-26. Review status: criteria provided, single submitter. Criteria: EGL Classification Definitions 2015. Collection method: clinical testing. Allele origin: germline. Observed: 1 variant allele, 1 heterozygote.

Breakthrough Genomics
Classification: Benign. Review status: criteria provided, single submitter. Criteria: ACMG Guidelines, 2015. Collection method: not provided. Allele origin: germline. Inheritance: Unknown mechanism. Affected: yes.